The following is an entry in ClinVar:

ClinVar aggregate classification (germline): Uncertain significance (1 of 4 stars; one submission).

Conditions:
Arthrogryposis, distal, type 1A. Also called: ARTHROGRYPOSIS MULTIPLEX CONGENITA, DISTAL, TYPE I. Identifiers: Orphanet 1146, MedGen C6022280, MONDO:0007157, OMIM 108120.

Submission:

Labcorp Genetics (formerly Invitae), Labcorp
Classification: Uncertain significance for Arthrogryposis, distal, type 1A. Last evaluated: 2022-12-10. Review status: criteria provided, single submitter. Criteria: Invitae Variant Classification Sherloc (09022015). Collection method: clinical testing. Allele origin: germline.
Comment: This sequence change replaces glutamic acid, which is acidic and polar, with lysine, which is basic and polar, at codon 66 of the TPM2 protein (p.Glu66Lys). This variant has not been reported in the literature in individuals affected with TPM2-related conditions. This variant is not present in population databases (gnomAD no frequency). Advanced modeling of protein sequence and biophysical properties (such as structural, functional, and spatial information, amino acid conservation, physicochemical variation, residue mobility, and thermodynamic stability) performed at Invitae indicates that this missense variant is not expected to disrupt TPM2 protein function. In summary, the available evidence is currently insufficient to determine the role of this variant in disease. Therefore, it has been classified as a Variant of Uncertain Significance.

NM_003289.4(TPM2):c.196G>A (p.Glu66Lys)

Gene: TPM2 (tropomyosin 2; minus strand). Cytogenetic location: 9p13.3.
Variant type: single nucleotide variant.
Coding change: c.196G>A on transcript NM_003289.4 (MANE Select); coding-DNA position 196, G replaced by A.
Protein change: p.Glu66Lys; replaces glutamic acid 66 with lysine.
Molecular consequence: missense variant.
Genome position (GRCh38, 1-based): chr9:35,689,190, C>T on the plus strand (G>A on the coding strand, the complement: TPM2 is on the minus strand). VCF-style: chr9-35689190-C-T. GRCh37 (hg19) VCF-style: chr9-35689187-C-T.
Other names: c.196G>A, p.Glu66Lys (NM_001301226.2, NM_001301227.2, NM_213674.1); short protein forms E66K.
Identifiers: ClinVar variation 2811044 (VCV002811044.3), dbSNP rs2490700340, ClinGen allele CA373369376.